The following is an entry in ClinVar:

ClinVar aggregate classification (germline): Uncertain significance (1 of 4 stars; one submission).

Conditions:
Gorlin syndrome. Also called: Basal cell nevus syndrome; Nevoid Basal Cell Carcinoma Syndrome. Identifiers: Orphanet 377, MedGen C0004779, MONDO:0007187.

gnomAD v4.1: 7 of 1,613,994 alleles (0.00043%); highest among the groups gnomAD compares: South Asian, 0.0011%; no homozygotes.

Submission:

Labcorp Genetics (formerly Invitae), Labcorp
Classification: Uncertain significance for Gorlin syndrome. Last evaluated: 2025-02-03. Review status: criteria provided, single submitter. Criteria: Invitae Variant Classification Sherloc (09022015). Collection method: clinical testing. Allele origin: germline.
Comment: This sequence change replaces glutamic acid, which is acidic and polar, with lysine, which is basic and polar, at codon 895 of the PTCH2 protein (p.Glu895Lys). This variant is present in population databases (no rsID available, gnomAD 0.003%). This variant has not been reported in the literature in individuals affected with PTCH2-related conditions. Invitae Evidence Modeling of protein sequence and biophysical properties (such as structural, functional, and spatial information, amino acid conservation, physicochemical variation, residue mobility, and thermodynamic stability) indicates that this missense variant is not expected to disrupt PTCH2 protein function with a negative predictive value of 80%. In summary, the available evidence is currently insufficient to determine the role of this variant in disease. Therefore, it has been classified as a Variant of Uncertain Significance.

NM_003738.5(PTCH2):c.2683G>A (p.Glu895Lys)

Gene: PTCH2 (patched 2; minus strand). Cytogenetic location: 1p34.1.
Variant type: single nucleotide variant.
Coding change: c.2683G>A on transcript NM_003738.5 (MANE Select); coding-DNA position 2683, G replaced by A.
Protein change: p.Glu895Lys; replaces glutamic acid 895 with lysine.
Molecular consequence: missense variant.
Genome position (GRCh38, 1-based): chr1:44,826,914, C>T on the plus strand (G>A on the coding strand, the complement: PTCH2 is on the minus strand). VCF-style: chr1-44826914-C-T. GRCh37 (hg19) VCF-style: chr1-45292586-C-T.
Other names: c.2683G>A, p.Glu895Lys (NM_001166292.2); short protein forms E895K.
Identifiers: ClinVar variation 3667236 (VCV003667236.2).